The following is an entry in ClinVar:

ClinVar aggregate classification (germline): Likely benign (0 of 4 stars; one submission).

Conditions:
KMT2D-related disorder. Also called: KMT2D-Related Disorders.

Allele frequency attached by ClinVar (database versions not stated): TOPMed 0.00007.

Submission:

PreventionGenetics, part of Exact Sciences
Classification: Likely benign for KMT2D-related condition. Last evaluated: 2022-08-08. Review status: no assertion criteria provided. Collection method: clinical testing. Allele origin: germline.
Comment: This variant is classified as likely benign based on ACMG/AMP sequence variant interpretation guidelines (Richards et al. 2015 PMID: 25741868, with internal and published modifications).

NM_003482.4(KMT2D):c.2264G>T (p.Arg755Leu)

Gene: KMT2D (lysine methyltransferase 2D; minus strand). Cytogenetic location: 12q13.12.
Variant type: single nucleotide variant.
Coding change: c.2264G>T on transcript NM_003482.4 (MANE Select); coding-DNA position 2264, G replaced by T.
Protein change: p.Arg755Leu; replaces arginine 755 with leucine.
Molecular consequence: missense variant.
Genome position (GRCh38, 1-based): chr12:49,051,419, C>A on the plus strand (G>T on the coding strand, the complement: KMT2D is on the minus strand). VCF-style: chr12-49051419-C-A. GRCh37 (hg19) VCF-style: chr12-49445202-C-A.
Other names: short protein forms R755L.
Identifiers: ClinVar variation 3029721 (VCV003029721.2), dbSNP rs776110112, ClinGen allele CA6548299.